The following is an entry in ClinVar:

NM_017999.5(RNF31):c.484C>G (p.Leu162Val)

Gene: RNF31 (ring finger protein 31; plus strand). Cytogenetic location: 14q12.
Variant type: single nucleotide variant.
Coding change: c.484C>G on transcript NM_017999.5 (MANE Select); coding-DNA position 484, C replaced by G.
Protein change: p.Leu162Val; replaces leucine 162 with valine.
Molecular consequence: missense variant. On other transcripts: 5 prime UTR variant (1).
Genome position (GRCh38, 1-based): chr14:24,148,402, C>G. VCF-style: chr14-24148402-C-G. GRCh37 (hg19) VCF-style: chr14-24617611-C-G.
Other names: c.-34C>G (NM_001310332.2); short protein forms L162V.
Identifiers: ClinVar variation 1978806 (VCV001978806.4), dbSNP rs375429602, ClinGen allele CA7125462.

ClinVar aggregate classification (germline): Uncertain significance (1 of 4 stars; one submission).

Submission:

Labcorp Genetics (formerly Invitae), Labcorp
Classification: Uncertain significance. Last evaluated: 2022-10-11. Review status: criteria provided, single submitter. Criteria: Invitae Variant Classification Sherloc (09022015). Collection method: clinical testing. Allele origin: germline.
Comment: In summary, the available evidence is currently insufficient to determine the role of this variant in disease. Therefore, it has been classified as a Variant of Uncertain Significance. Algorithms developed to predict the effect of missense changes on protein structure and function are either unavailable or do not agree on the potential impact of this missense change (SIFT: "Tolerated"; PolyPhen-2: "Possibly Damaging"; Align-GVGD: "Class C0"). This variant has not been reported in the literature in individuals affected with RNF31-related conditions. This variant is present in population databases (rs375429602, gnomAD 0.007%). This sequence change replaces leucine, which is neutral and non-polar, with valine, which is neutral and non-polar, at codon 162 of the RNF31 protein (p.Leu162Val).